The following is an entry in ClinVar:

NM_001352514.2(HLCS):c.1576C>T (p.Gln526Ter)

Gene: HLCS (holocarboxylase synthetase; minus strand). Cytogenetic location: 21q22.13.
Variant type: single nucleotide variant.
Coding change: c.1576C>T on transcript NM_001352514.2 (MANE Select); coding-DNA position 1576, C replaced by T.
Protein change: p.Gln526Ter; replaces glutamine 526 with a stop codon.
Molecular consequence: nonsense. On other transcripts: non-coding transcript variant (2).
Genome position (GRCh38, 1-based): chr21:36,930,295, G>A on the plus strand (C>T on the coding strand, the complement: HLCS is on the minus strand). VCF-style: chr21-36930295-G-A. GRCh37 (hg19) VCF-style: chr21-38302595-G-A.
Other names: c.1135C>T, p.Gln379Ter (NM_000411.8, NM_001242784.3, NM_001242785.2 and 4 more transcripts); c.1135C>T (NM_000411.7); short protein forms Q379*, Q526*.
Identifiers: ClinVar variation 495865 (VCV000495865.11), dbSNP rs1393866282, ClinGen allele CA409911138.

ClinVar aggregate classification (germline): Pathogenic/Likely pathogenic. Review status: criteria provided, multiple submitters, no conflicts (2 of 4 stars). 5 submissions from 5 submitters: Pathogenic (3); Likely pathogenic (1). 1 of the submissions does not count toward it. Last evaluated 2025-05-12.

Conditions:
Holocarboxylase synthetase deficiency. Also called: MULTIPLE CARBOXYLASE DEFICIENCY, EARLY ONSET. Identifiers: Orphanet 79242, MedGen C0268581, MONDO:0009666, OMIM 253270.

Allele frequency attached by ClinVar (database versions not stated): gnomAD exomes below 0.00001; TOPMed below 0.00001.
gnomAD v4.1: 1 of 1,614,150 alleles (0.000062%); no homozygotes.

Submissions (5):

Natera, Inc.
Classification: Likely pathogenic for Holocarboxylase synthetase deficiency. Last evaluated: 2025-05-12. Review status: criteria provided, single submitter. Criteria: Natera Variant Classification Schema (03/2026). Collection method: clinical testing. Allele origin: germline.
Comment: The c.1135C>T variant in HLCS is a nonsense variant predicted to introduce a stop codon at amino acid 379. This variant is expected to result in nonsense mediated decay, truncation, or a dysfunctional protein product. This variant is rare in the general population with a frequency below the threshold expected for the associated phenotype(s). Given the available evidence, this variant is classified as Likely Pathogenic.

Baylor Genetics
Classification: Pathogenic for Holocarboxylase synthetase deficiency. Last evaluated: 2023-07-03. Review status: criteria provided, single submitter. Criteria: ACMG Guidelines, 2015. Collection method: clinical testing. Allele origin: unknown.

Labcorp Genetics (formerly Invitae), Labcorp
Classification: Pathogenic for Holocarboxylase synthetase deficiency. Last evaluated: 2023-01-14. Review status: criteria provided, single submitter. Criteria: Invitae Variant Classification Sherloc (09022015). Collection method: clinical testing. Allele origin: germline.
Comment: This premature translational stop signal has been observed in individual(s) with clinical features of holocarboxylase synthetase deficiency (PMID: 18974016). ClinVar contains an entry for this variant (Variation ID: 495865). For these reasons, this variant has been classified as Pathogenic. This variant is present in population databases (no rsID available, gnomAD no frequency). This sequence change creates a premature translational stop signal (p.Gln379*) in the HLCS gene. It is expected to result in an absent or disrupted protein product. Loss-of-function variants in HLCS are known to be pathogenic (PMID: 16134170).

Women's Health and Genetics/Laboratory Corporation of America, LabCorp
Classification: Pathogenic for Holocarboxylase synthetase deficiency. Last evaluated: 2017-05-04. Review status: criteria provided, single submitter. Criteria: LabCorp Variant Classification Summary - May 2015. Collection method: clinical testing. Allele origin: germline.
Comment: Variant summary: The c.1135C>T (p.Gln379*) variant in HLCS gene is a nonsense change that results in the loss of the 348 amino acids of the protein (~48%). This change is predicted to cause loss of normal protein function through protein truncation or nonsense-mediated mRNA decay. The variant is absent from in the large control population dataset of ExAC (121402 chrs tested). The variant has been identified in compound heterozygosity with known pathogenic alleles in at least one affected individual with biochemically confirmed dx holocarboxylase synthetase deficiency. Taken together, the variant was classified as Pathogenic.

Counsyl
Classification: Likely pathogenic for Holocarboxylase synthetase deficiency. Last evaluated: 2018-02-26. Review status: no assertion criteria provided. Collection method: clinical testing. Allele origin: unknown. Not counted in ClinVar's aggregate classification.

Literature cited by the submitters: PubMed 18974016 (cited by 3 submitters); PubMed 16134170 (cited by Labcorp Genetics (formerly Invitae), Labcorp).